The following is an entry in ClinVar:

NM_001283009.2(RTEL1):c.3186C>T (p.Ala1062=)

Genes: RTEL1 (regulator of telomere elongation helicase 1; plus strand), RTEL1-TNFRSF6B (RTEL1-TNFRSF6B readthrough (NMD candidate); plus strand). Cytogenetic location: 20q13.33.
Variant type: single nucleotide variant.
Coding change: c.3186C>T on transcript NM_001283009.2 (MANE Select); coding-DNA position 3186, C replaced by T.
Protein change: p.Ala1062=; no amino-acid change (alanine 1062 retained).
Molecular consequence: synonymous variant. On other transcripts: non-coding transcript variant (1).
Genome position (GRCh38, 1-based): chr20:63,694,817, C>T. VCF-style: chr20-63694817-C-T. GRCh37 (hg19) VCF-style: chr20-62326170-C-T.
Other names: c.2517C>T, p.Ala839= (NM_001283010.1); c.3186C>T, p.Ala1062= (NM_016434.4); c.3258C>T, p.Ala1086= (NM_032957.5).
Identifiers: ClinVar variation 2929370 (VCV002929370.3), dbSNP rs2090929730, ClinGen allele CA511661549.

ClinVar aggregate classification (germline): Uncertain significance (1 of 4 stars; one submission).

Conditions:
Dyskeratosis congenita, autosomal recessive 5 (DKCB5). Identifiers: MedGen C3554656, MONDO:0014076, OMIM 615190.
Pulmonary fibrosis and/or bone marrow failure, Telomere-related, 3. Also called: PULMONARY FIBROSIS AND/OR BONE MARROW FAILURE SYNDROME, TELOMERE-RELATED, 3. Identifiers: Orphanet 2032, MedGen C4225346, MONDO:0014613, OMIM 616373.

gnomAD v4.1: 4 of 1,612,530 alleles (0.00025%); highest among the groups gnomAD compares: Non-Finnish European, 0.00025%; no homozygotes.

Submission:

Labcorp Genetics (formerly Invitae), Labcorp
Classification: Uncertain significance for Dyskeratosis congenita, autosomal recessive 5; Pulmonary fibrosis and/or bone marrow failure, Telomere-related, 3. Last evaluated: 2023-07-11. Review status: criteria provided, single submitter. Criteria: Invitae Variant Classification Sherloc (09022015). Collection method: clinical testing. Allele origin: germline.
Comment: In summary, the available evidence is currently insufficient to determine the role of this variant in disease. Therefore, it has been classified as a Variant of Uncertain Significance. Algorithms developed to predict the effect of sequence changes on RNA splicing suggest that this variant may create or strengthen a splice site. This variant has not been reported in the literature in individuals affected with RTEL1-related conditions. This variant is not present in population databases (gnomAD no frequency). This sequence change affects codon 1062 of the RTEL1 mRNA. It is a 'silent' change, meaning that it does not change the encoded amino acid sequence of the RTEL1 protein.